The following is an entry in ClinVar:

ClinVar aggregate classification (germline): Uncertain significance (1 of 4 stars; one submission).

Submission:

GeneDx
Classification: Uncertain significance. Last evaluated: 2026-02-24. Review status: criteria provided, single submitter. Criteria: GeneDx Variant Classification Process June 2021. Collection method: clinical testing. Allele origin: germline.
Comment: In silico analysis supports that this missense variant has a deleterious effect on protein structure/function; Has not been previously published as pathogenic or benign to our knowledge

NM_020791.4(TAOK1):c.865G>T (p.Val289Leu)

Gene: TAOK1 (TAO kinase 1; plus strand). Cytogenetic location: 17q11.2.
Variant type: single nucleotide variant.
Coding change: c.865G>T on transcript NM_020791.4 (MANE Select); coding-DNA position 865, G replaced by T.
Protein change: p.Val289Leu; replaces valine 289 with leucine.
Molecular consequence: missense variant.
Genome position (GRCh38, 1-based): chr17:29,495,593, G>T. VCF-style: chr17-29495593-G-T. GRCh37 (hg19) VCF-style: chr17-27822611-G-T.
Other names: c.865G>T, p.Val289Leu (NM_025142.1); short protein forms V289L.
Identifiers: ClinVar variation 4975424 (VCV004975424.1).
Genomic context (GRCh38, chr17:29,495,593, plus strand): 5'-CAACCTTTTACCTTCTACCCTATCTAGCACATATTTGTTCTTCGGGAGCGCCCTGAAACC[G>T]TGTTAATAGATCTCATTCAGAGGACAAAGGATGCAGTAAGAGAGCTGGACAATCTGCAGT-3'
Protein context (NP_065842.1, residues 279-299): IFVLRERPET[Val289Leu]LIDLIQRTKD